The following is an entry in ClinVar:

NM_004850.5(ROCK2):c.2550-8C>G

Gene: ROCK2 (Rho associated coiled-coil containing protein kinase 2; minus strand). Cytogenetic location: 2p25.1.
Variant type: single nucleotide variant.
Coding change: c.2550-8C>G on transcript NM_004850.5 (MANE Select); 8 bases into the intron before coding-DNA position 2550, C replaced by G.
Molecular consequence: intron variant.
Genome position (GRCh38, 1-based): chr2:11,202,129, G>C on the plus strand (C>G on the coding strand, the complement: ROCK2 is on the minus strand). VCF-style: chr2-11202129-G-C. GRCh37 (hg19) VCF-style: chr2-11342255-G-C.
Other names: c.2292-8C>G (NM_001321643.2).
Identifiers: ClinVar variation 3030605 (VCV003030605.2), dbSNP rs369373069, ClinGen allele CA42514937.

ClinVar aggregate classification (germline): Likely benign (0 of 4 stars; one submission).

Conditions:
ROCK2-related disorder. Also called: ROCK2-related condition.

Allele frequency attached by ClinVar (database versions not stated): gnomAD exomes 0.00002; ESP Exome Variant Server 0.00008.
gnomAD v4.1: 28 of 1,608,820 alleles (0.0017%); highest among the groups gnomAD compares: Non-Finnish European, 0.0021%; no homozygotes.

Submission:

PreventionGenetics, part of Exact Sciences
Classification: Likely benign for ROCK2-related condition. Last evaluated: 2022-03-08. Review status: no assertion criteria provided. Collection method: clinical testing. Allele origin: germline.
Comment: This variant is classified as likely benign based on ACMG/AMP sequence variant interpretation guidelines (Richards et al. 2015 PMID: 25741868, with internal and published modifications).